The following is an entry in ClinVar:

NM_001148.6(ANK2):c.10702C>T (p.Arg3568Trp)

Gene: ANK2 (ankyrin 2; plus strand). Cytogenetic location: 4q26.
Variant type: single nucleotide variant.
Coding change: c.10702C>T on transcript NM_001148.6 (MANE Select); coding-DNA position 10702, C replaced by T.
Protein change: p.Arg3568Trp; replaces arginine 3568 with tryptophan.
Molecular consequence: missense variant.
Genome position (GRCh38, 1-based): chr4:113,360,843, C>T. VCF-style: chr4-113360843-C-T. GRCh37 (hg19) VCF-style: chr4-114281999-C-T.
Other names: p.R3568W:CGG>TGG; c.4420C>T, p.Arg1474Trp (NM_001127493.3); c.4459C>T, p.Arg1487Trp (NM_001354225.2); c.4348C>T, p.Arg1450Trp (NM_001354228.2, NM_001354258.2); c.4426C>T, p.Arg1476Trp (NM_001354230.2); c.4489C>T, p.Arg1497Trp (NM_001354231.2, NM_001354242.2); c.4483C>T, p.Arg1495Trp (NM_001354232.2); c.4444C>T, p.Arg1482Trp (NM_001354235.2, NM_001354246.2, NM_001354265.2); and 36 more; short protein forms R1474W, R3568W, R1396W, R1440W, R1466W, R1482W, R1383W, R1417W.
Identifiers: ClinVar variation 190574 (VCV000190574.19), dbSNP rs72556376, ClinGen allele CA300923.

ClinVar aggregate classification (germline): Conflicting classifications of pathogenicity. Review status: criteria provided, conflicting classifications (1 of 4 stars). 5 submissions from 5 submitters: Uncertain significance (3); Likely benign (2). Last evaluated 2026-02-04.

Conditions:
Cardiovascular phenotype. Identifiers: MedGen CN230736.
Long QT syndrome (LQTS). Identifiers: MedGen C0023976, MeSH D008133, MONDO:0002442. Disease mechanism: loss of function. Inheritance: Various modes of inheritance.
Cardiac arrhythmia, ankyrin-B-related. Also called: ANKYRIN-B SYNDROME. Identifiers: Orphanet 101016, Orphanet 768, MedGen C1970119, MONDO:0010958, OMIM 600919.

Allele frequency attached by ClinVar (database versions not stated): gnomAD exomes 0.00011 and 0.00015; ESP Exome Variant Server 0.00015; ExAC 0.00017; gnomAD 0.00018 and 0.00020; TOPMed 0.00028; 1000 Genomes Project 0.00040; 1000 Genomes Project 30x 0.00109.
gnomAD v4.1: 197 of 1,612,676 alleles (0.012%); highest among the groups gnomAD compares: Middle Eastern, 0.12%; no homozygotes.

Submissions (5):

Labcorp Genetics (formerly Invitae), Labcorp
Classification: Uncertain significance for Long QT syndrome. Last evaluated: 2026-02-04. Review status: criteria provided, single submitter. Criteria: Invitae Variant Classification Sherloc (09022015). Collection method: clinical testing. Allele origin: germline.
Comment: This sequence change replaces arginine, which is basic and polar, with tryptophan, which is neutral and slightly polar, at codon 3568 of the ANK2 protein (p.Arg3568Trp). This variant is present in population databases (rs72556376, gnomAD 0.04%), and has an allele count higher than expected for a pathogenic variant. This missense change has been observed in individual(s) with autism spectrum disorder or hypertrophic cardiomyopathy (PMID: 25351510, 30564305). ClinVar contains an entry for this variant (Variation ID: 190574). Invitae Evidence Modeling of protein sequence and biophysical properties (such as structural, functional, and spatial information, amino acid conservation, physicochemical variation, residue mobility, and thermodynamic stability) indicates that this missense variant is not expected to disrupt ANK2 protein function with a negative predictive value of 80%. In summary, the available evidence is currently insufficient to determine the role of this variant in disease. Therefore, it has been classified as a Variant of Uncertain Significance.

Ambry Genetics
Classification: Likely benign for Cardiovascular phenotype. Last evaluated: 2025-08-18. Review status: criteria provided, single submitter. Criteria: Ambry Variant Classification Scheme 2023. Collection method: clinical testing. Allele origin: germline.

Blueprint Genetics
Classification: Likely benign. Last evaluated: 2024-10-02. Review status: criteria provided, single submitter. Criteria: ACMG Guidelines, 2015. Collection method: clinical testing. Allele origin: germline.

GeneDx
Classification: Uncertain significance. Last evaluated: 2024-04-01. Review status: criteria provided, single submitter. Criteria: GeneDx Variant Classification Process June 2021. Collection method: clinical testing. Allele origin: germline. Affected: yes.
Comment: Reported in a patient with HCM and one with arrhythmia in published literature (PMID: 25351510, 30847666); In silico analysis supports that this missense variant has a deleterious effect on protein structure/function; This variant is associated with the following publications: (PMID: 30564305, 30086531, Rodrigues2022[Abstract], 30847666, RodriguesRP2022[CaseReport], 25351510, 35932045)

Fulgent Genetics
Classification: Uncertain significance for Cardiac arrhythmia, ankyrin-B-related. Last evaluated: 2021-09-01. Review status: criteria provided, single submitter. Criteria: ACMG Guidelines, 2015. Collection method: clinical testing. Allele origin: unknown.

Literature cited by the submitters: PubMed 25351510 (cited by Labcorp Genetics (formerly Invitae), Labcorp); PubMed 30564305 (cited by Labcorp Genetics (formerly Invitae), Labcorp and Ambry Genetics).